The following is an entry in ClinVar:

ClinVar aggregate classification (germline): Uncertain significance (1 of 4 stars; one submission).

Conditions:
FLNB-related disorder. Also called: FLNB-related disorders; FLNB-related condition. Identifiers: MedGen CN381095.

Submission:

PreventionGenetics, part of Exact Sciences
Classification: Uncertain significance for FLNB-related condition. Last evaluated: 2026-03-31. Review status: criteria provided, single submitter. Criteria: ACMG Guidelines, 2015. Collection method: clinical testing. Allele origin: germline.
Comment: The FLNB c.6200G>A variant is predicted to result in the amino acid substitution p.Gly2067Glu. To our knowledge, this variant has not been reported in the literature or in a large population database (gnomAD), indicating this variant is rare. At this time, the clinical significance of this variant is uncertain due to the absence of conclusive functional and genetic evidence.

NM_001457.4(FLNB):c.6200G>A (p.Gly2067Glu)

Gene: FLNB (filamin B; plus strand). Cytogenetic location: 3p14.3.
Variant type: single nucleotide variant.
Coding change: c.6200G>A on transcript NM_001457.4 (MANE Select); coding-DNA position 6200, G replaced by A.
Protein change: p.Gly2067Glu; replaces glycine 2067 with glutamic acid.
Molecular consequence: missense variant.
Genome position (GRCh38, 1-based): chr3:58,149,958, G>A. VCF-style: chr3-58149958-G-A. GRCh37 (hg19) VCF-style: chr3-58135685-G-A.
Other names: c.6293G>A, p.Gly2098Glu (NM_001164317.2); c.6167G>A, p.Gly2056Glu (NM_001164318.2); c.6128G>A, p.Gly2043Glu (NM_001164319.2); short protein forms G2043E, G2056E, G2067E, G2098E.
Identifiers: ClinVar variation 4990611 (VCV004990611.1).